The following is an entry in ClinVar:

NM_001365951.3(KIF1B):c.4198A>G (p.Ile1400Val)

Gene: KIF1B (kinesin family member 1B; plus strand). Cytogenetic location: 1p36.22.
Variant type: single nucleotide variant.
Coding change: c.4198A>G on transcript NM_001365951.3 (MANE Select); coding-DNA position 4198, A replaced by G.
Protein change: p.Ile1400Val; replaces isoleucine 1400 with valine.
Molecular consequence: missense variant.
Genome position (GRCh38, 1-based): chr1:10,361,719, A>G. VCF-style: chr1-10361719-A-G. GRCh37 (hg19) VCF-style: chr1-10421777-A-G.
Other names: c.4198A>G, p.Ile1400Val (NM_001365952.1); c.4060A>G, p.Ile1354Val (NM_015074.3); short protein forms I1354V, I1400V.
Identifiers: ClinVar variation 3226484 (VCV003226484.1), dbSNP rs1638428625, ClinGen allele CA338317128.

ClinVar aggregate classification (germline): Uncertain significance (1 of 4 stars; one submission).

Allele frequency attached by ClinVar (database versions not stated): TOPMed below 0.00001.

Submission:

Ambry Genetics
Classification: Uncertain significance. Last evaluated: 2023-11-03. Review status: criteria provided, single submitter. Criteria: Ambry Variant Classification Scheme 2023. Collection method: clinical testing. Allele origin: germline.
Comment: The p.I1354V variant (also known as c.4060A>G), located in coding exon 37 of the KIF1B gene, results from an A to G substitution at nucleotide position 4060. The isoleucine at codon 1354 is replaced by valine, an amino acid with highly similar properties. This amino acid position is conserved. In addition, this alteration is predicted to be tolerated by in silico analysis. Since supporting evidence is limited at this time, the clinical significance of this alteration remains unclear.